The following is an entry in ClinVar:

NM_001242882.2(NAXD):c.871G>T (p.Ala291Ser)

Gene: NAXD (NAD(P)HX dehydratase; plus strand). Cytogenetic location: 13q34.
Variant type: single nucleotide variant.
Coding change: c.871G>T on transcript NM_001242882.2 (MANE Select); coding-DNA position 871, G replaced by T.
Protein change: p.Ala291Ser; replaces alanine 291 with serine.
Molecular consequence: missense variant. On other transcripts: non-coding transcript variant (2).
Genome position (GRCh38, 1-based): chr13:110,638,409, G>T. VCF-style: chr13-110638409-G-T. GRCh37 (hg19) VCF-style: chr13-111290756-G-T.
Other names: c.925G>T, p.Ala309Ser (NM_001242881.2); c.595G>T, p.Ala199Ser (NM_001242883.2); c.1061G>T, p.Arg354Leu (NM_018210.4); short protein forms A199S, A291S, A309S, R354L.
Identifiers: ClinVar variation 4891163 (VCV004891163.1).

ClinVar aggregate classification (germline): Uncertain significance (1 of 4 stars; one submission).

gnomAD v4.1: 1 of 1,613,502 alleles (0.000062%); highest among the groups gnomAD compares: African/African-American, 0.0013%; no homozygotes.

Submission:

Greenwood Genetic Center Diagnostic Laboratories, Greenwood Genetic Center
Classification: Uncertain significance. Last evaluated: 2026-06-18. Review status: criteria provided, single submitter. Criteria: ACMG Guidelines, 2015. Collection method: clinical testing. Allele origin: germline.
Comment: PM2, BP4